The following is an entry in ClinVar:

ClinVar aggregate classification (germline): Pathogenic. Review status: criteria provided, single submitter (1 of 4 stars). 2 submissions from 2 submitters: Pathogenic (1). 1 of the submissions does not count toward it. Last evaluated 2020-01-31.

Conditions:
Coffin-Siris syndrome 11. Identifiers: MedGen C5241442, MONDO:0032912, OMIM 618779.

Submissions (2):

GeneDx
Classification: Pathogenic. Last evaluated: 2020-01-31. Review status: criteria provided, single submitter. Criteria: GeneDx Variant Classification Process June 2021. Collection method: clinical testing. Allele origin: germline. Affected: yes.
Comment: Nonsense variant predicted to result in protein truncation, although loss-of-function variants have not been reported downstream of this position in the protein; Not observed in large population cohorts (Lek et al., 2016); This variant is associated with the following publications: (PMID: 30879640)

OMIM
Classification: Pathogenic for COFFIN-SIRIS SYNDROME 11. Last evaluated: 2020-02-19. Review status: no assertion criteria provided. Collection method: literature only. Allele origin: germline. Not counted in ClinVar's aggregate classification.

Literature cited by the submitters: PubMed 30879640 (cited by OMIM).

NM_003076.5(SMARCD1):c.1507C>T (p.Arg503Ter)

Gene: SMARCD1 (SWI/SNF related, matrix associated, actin dependent regulator of chromatin, subfamily d, member 1; plus strand). Cytogenetic location: 12q13.12.
Variant type: single nucleotide variant.
Coding change: c.1507C>T on transcript NM_003076.5 (MANE Select); coding-DNA position 1507, C replaced by T.
Protein change: p.Arg503Ter; replaces arginine 503 with a stop codon.
Molecular consequence: nonsense.
Genome position (GRCh38, 1-based): chr12:50,098,959, C>T. VCF-style: chr12-50098959-C-T. GRCh37 (hg19) VCF-style: chr12-50492742-C-T.
Other names: c.1384C>T, p.Arg462Ter (NM_139071.3); short protein forms R503*, R462*.
Identifiers: ClinVar variation 812683 (VCV000812683.4), dbSNP rs372368908, ClinGen allele CA384797402.
Genomic context (GRCh38, chr12:50,098,959, plus strand): 5'-ACTTCTGGTTTGTCTCATCTTCCACTCCCTTCACTATTTTCTCCTTAGGTGCAGCAGAGA[C>T]GACAAGAATTAGAGCAAGCCCTGGGAATCCGGAATACATAGGGCCTCTCCCACAGCCCTG-3'